The following is an entry in ClinVar:

ClinVar aggregate classification (germline): Likely pathogenic. Review status: criteria provided, multiple submitters, no conflicts (2 of 4 stars). 2 submissions from 2 submitters: Likely pathogenic (2). Last evaluated 2026-04-22.

Conditions:
Cardiovascular phenotype. Identifiers: MedGen CN230736.
Marfan syndrome (MFS). Also called: MARFAN SYNDROME, TYPE I; Marfan syndrome type 1; Marfan's syndrome; Marfan syndrome, classic; FBN1-Related Marfan Syndrome. Identifiers: Orphanet 284963, Orphanet 558, MedGen C0024796, MONDO:0007947, OMIM 154700.
Familial thoracic aortic aneurysm and aortic dissection (TAAD). Also called: Thoracic aortic aneurysms and dissections. Identifiers: Orphanet 91387, MedGen C4707243, MONDO:0019625.

Submissions (2):

Molecular Diagnostic Laboratory for Inherited Cardiovascular Disease, Montreal Heart Institute
Classification: Likely pathogenic for Cardiovascular phenotype. Last evaluated: 2026-04-22. Review status: criteria provided, single submitter. Criteria: ACMG Guidelines, 2015. Collection method: clinical testing. Allele origin: germline. Affected: yes.
Comment: PM1, PM2, PM5, PP2, PP3

Labcorp Genetics (formerly Invitae), Labcorp
Classification: Likely pathogenic for Marfan syndrome; Familial thoracic aortic aneurysm and aortic dissection. Last evaluated: 2025-12-16. Review status: criteria provided, single submitter. Criteria: Invitae Variant Classification Sherloc (09022015). Collection method: clinical testing. Allele origin: germline.
Comment: This sequence change replaces cysteine, which is neutral and slightly polar, with phenylalanine, which is neutral and non-polar, at codon 853 of the FBN1 protein (p.Cys853Phe). This variant is not present in population databases (gnomAD no frequency). This variant has not been reported in the literature in individuals affected with FBN1-related conditions. Invitae Evidence Modeling of protein sequence and biophysical properties (such as structural, functional, and spatial information, amino acid conservation, physicochemical variation, residue mobility, and thermodynamic stability) indicates that this missense variant is expected to disrupt FBN1 protein function with a positive predictive value of 95%. This variant affects a cysteine residue in the EGF-like, TGFBP or hybrid motif domains of FBN1. Cysteine residues are believed to be involved in intramolecular disulfide bridges and have been shown to be important for FBN1 protein structure (PMID: 16905551, 19349279). In addition, missense substitutions affecting cysteine residues within these domains are significantly overrepresented among patients with Marfan syndrome (PMID: 16571647, 17701892). This variant disrupts the p.Cys853 amino acid residue in FBN1. Other variant(s) that disrupt this residue have been observed in individuals with FBN1-related conditions (PMID: 21542060, 28973303, 30675029), which suggests that this may be a clinically significant amino acid residue. In summary, the currently available evidence indicates that the variant is pathogenic, but additional data are needed to prove that conclusively. Therefore, this variant has been classified as Likely Pathogenic.

Literature cited by the submitters: PubMed 16905551 (cited by Labcorp Genetics (formerly Invitae), Labcorp); PubMed 19349279 (cited by Labcorp Genetics (formerly Invitae), Labcorp); PubMed 16571647 (cited by Labcorp Genetics (formerly Invitae), Labcorp); PubMed 17701892 (cited by Labcorp Genetics (formerly Invitae), Labcorp); PubMed 21542060 (cited by Labcorp Genetics (formerly Invitae), Labcorp); PubMed 28973303 (cited by Labcorp Genetics (formerly Invitae), Labcorp); PubMed 30675029 (cited by Labcorp Genetics (formerly Invitae), Labcorp).

NM_000138.5(FBN1):c.2558G>T (p.Cys853Phe)

Gene: FBN1 (fibrillin 1; minus strand). Cytogenetic location: 15q21.1.
Variant type: single nucleotide variant.
Coding change: c.2558G>T on transcript NM_000138.5 (MANE Select); coding-DNA position 2558, G replaced by T.
Protein change: p.Cys853Phe; replaces cysteine 853 with phenylalanine.
Molecular consequence: missense variant.
Genome position (GRCh38, 1-based): chr15:48,495,242, C>A on the plus strand (G>T on the coding strand, the complement: FBN1 is on the minus strand). VCF-style: chr15-48495242-C-A. GRCh37 (hg19) VCF-style: chr15-48787439-C-A.
Other names: c.2558G>T, p.Cys853Phe (NM_001406716.1); short protein forms C853F.
Identifiers: ClinVar variation 4789664 (VCV004789664.2).
Genomic context (GRCh38, chr15:48,495,242, plus strand): 5'-GACTTTAAGGTGGCTCCATTGATGTTGATCTCACATCGCCCATCAATGACAGTCTGCCAG[C>A]AAGTGCCCTTGATGGTTTCTGCAGAGGAGGGAATAATATTTAATAGAATCTATATAAAAA-3'
Protein context (NP_000129.3, residues 843-863): TICIETIKGT[Cys853Phe]WQTVIDGRCE